The following is an entry in ClinVar:

NM_007186.6(CEP250):c.1470A>C (p.Arg490=)

Genes: CEP250 (centrosomal protein 250; plus strand), CEP250-AS1 (CEP250 antisense RNA 1; minus strand). Cytogenetic location: 20q11.22.
Variant type: single nucleotide variant.
Coding change: c.1470A>C on transcript NM_007186.6 (MANE Select); coding-DNA position 1470, A replaced by C.
Protein change: p.Arg490=; no amino-acid change (arginine 490 retained).
Molecular consequence: synonymous variant. On other transcripts: non-coding transcript variant (7), 5 prime UTR variant (1).
Genome position (GRCh38, 1-based): chr20:35,473,951, A>C. VCF-style: chr20-35473951-A-C. GRCh37 (hg19) VCF-style: chr20-34061776-A-C.
Other names: c.-430A>C (NM_001318219.1).
Identifiers: ClinVar variation 3055027 (VCV003055027.2), dbSNP rs995811615, ClinGen allele CA314152933.

ClinVar aggregate classification (germline): Likely benign (0 of 4 stars; one submission).

Conditions:
CEP250-related disorder. Also called: CEP250-related condition.

Allele frequency attached by ClinVar (database versions not stated): TOPMed below 0.00001.
gnomAD v4.1: 17 of 1,611,968 alleles (0.0011%); highest among the groups gnomAD compares: Non-Finnish European, 0.0014%; no homozygotes.

Submission:

PreventionGenetics, part of Exact Sciences
Classification: Likely benign for CEP250-related condition. Last evaluated: 2020-07-30. Review status: no assertion criteria provided. Collection method: clinical testing. Allele origin: germline.
Comment: This variant is classified as likely benign based on ACMG/AMP sequence variant interpretation guidelines (Richards et al. 2015 PMID: 25741868, with internal and published modifications).